The following is an entry in ClinVar:

NM_002354.3(EPCAM):c.361A>G (p.Thr121Ala)

Gene: EPCAM (epithelial cell adhesion molecule; plus strand). Cytogenetic location: 2p21.
Variant type: single nucleotide variant.
Coding change: c.361A>G on transcript NM_002354.3 (MANE Select); coding-DNA position 361, A replaced by G.
Protein change: p.Thr121Ala; replaces threonine 121 with alanine.
Molecular consequence: missense variant.
Genome position (GRCh38, 1-based): chr2:47,373,984, A>G. VCF-style: chr2-47373984-A-G. GRCh37 (hg19) VCF-style: chr2-47601123-A-G.
Other names: short protein forms T121A.
Identifiers: ClinVar variation 3845279 (VCV003845279.1).
Genomic context (GRCh38, chr2:47,373,984, plus strand): 5'-GAGAGCGGGCTCTTTAAGGCCAAGCAGTGCAACGGCACCTCCATGTGCTGGTGTGTGAAC[A>G]CTGCTGGGGTCAGAAGAACAGACAAGGACACTGAAATAACCTGCTCTGAGCGAGTGAGAA-3'
Protein context (NP_002345.2, residues 111-131): NGTSMCWCVN[Thr121Ala]AGVRRTDKDT

ClinVar aggregate classification (germline): Uncertain significance (1 of 4 stars; one submission).

Conditions:
Hereditary cancer-predisposing syndrome. Also called: Hereditary neoplastic syndrome; Neoplastic Syndromes, Hereditary; Tumor predisposition; Hereditary Cancer Syndrome. Identifiers: Orphanet 140162, MedGen C0027672, MeSH D009386, MONDO:0015356.

gnomAD v4.1: 2 of 1,614,202 alleles (0.00012%); highest among the groups gnomAD compares: South Asian, 0.0022%; no homozygotes.

Submission:

Ambry Genetics
Classification: Uncertain significance for Hereditary cancer-predisposing syndrome. Last evaluated: 2025-01-21. Review status: criteria provided, single submitter. Criteria: Ambry Variant Classification Scheme 2023. Collection method: clinical testing. Allele origin: germline.
Comment: The p.T121A variant (also known as c.361A>G), located in coding exon 3 of the EPCAM gene, results from an A to G substitution at nucleotide position 361. The threonine at codon 121 is replaced by alanine, an amino acid with similar properties. This amino acid position is conserved. In addition, this alteration is predicted to be tolerated by in silico analysis. Based on the available evidence, the clinical significance of this variant remains unclear.